The following is an entry in ClinVar:

ClinVar aggregate classification (germline): Uncertain significance (1 of 4 stars; one submission).

Conditions:
Early Myoclonic Encephalopathy. Identifiers: MedGen C0270855.

Allele frequency attached by ClinVar (database versions not stated): ExAC 0.00003; TOPMed 0.00006; gnomAD exomes 0.00001 and 0.00003; gnomAD 0.00001.
gnomAD v4.1: 13 of 1,604,470 alleles (0.00081%); highest among the groups gnomAD compares: African/African-American, 0.0013%; no homozygotes.

Submission:

Labcorp Genetics (formerly Invitae), Labcorp
Classification: Uncertain significance for Early Myoclonic Encephalopathy. Last evaluated: 2023-01-01. Review status: criteria provided, single submitter. Criteria: Invitae Variant Classification Sherloc (09022015). Collection method: clinical testing. Allele origin: germline.
Comment: This variant has not been reported in the literature in individuals affected with JMJD1C-related conditions. In summary, the available evidence is currently insufficient to determine the role of this variant in disease. Therefore, it has been classified as a Variant of Uncertain Significance. Advanced modeling of protein sequence and biophysical properties (such as structural, functional, and spatial information, amino acid conservation, physicochemical variation, residue mobility, and thermodynamic stability) performed at Invitae indicates that this missense variant is not expected to disrupt JMJD1C protein function. ClinVar contains an entry for this variant (Variation ID: 1043582). This variant is present in population databases (rs751636933, gnomAD 0.01%). This sequence change replaces histidine, which is basic and polar, with asparagine, which is neutral and polar, at codon 2530 of the JMJD1C protein (p.His2530Asn).

NM_032776.3(JMJD1C):c.7588C>A (p.His2530Asn)

Gene: JMJD1C (jumonji domain containing 1C; minus strand). Cytogenetic location: 10q21.3.
Variant type: single nucleotide variant.
Coding change: c.7588C>A on transcript NM_032776.3 (MANE Select); coding-DNA position 7588, C replaced by A.
Protein change: p.His2530Asn; replaces histidine 2530 with asparagine.
Molecular consequence: missense variant. On other transcripts: non-coding transcript variant (1).
Genome position (GRCh38, 1-based): chr10:63,168,080, G>T on the plus strand (C>A on the coding strand, the complement: JMJD1C is on the minus strand). VCF-style: chr10-63168080-G-T. GRCh37 (hg19) VCF-style: chr10-64927840-G-T.
Other names: c.7042C>A, p.His2348Asn (NM_001282948.2, NM_001318154.2); c.6724C>A, p.His2242Asn (NM_001318153.2); c.7474C>A, p.His2492Asn (NM_001322252.2); c.6931C>A, p.His2311Asn (NM_001322254.2, NM_001322258.2); short protein forms H2311N, H2348N, H2492N, H2242N, H2530N.
Identifiers: ClinVar variation 1043582 (VCV001043582.8), dbSNP rs751636933, ClinGen allele CA5517616.
Genomic context (GRCh38, chr10:63,168,080, plus strand): 5'-CTAAAAATATCAAACTGGATCACACTTAATTTTCTTCCATATCCTCTACTTCATCCTCGT[G>T]TATCTTCAAGGCTCTCACCATTTCTTTGACTGCATGATACAAAATATTTTTAACCTGAAA-3'
Protein context (NP_116165.1, residues 2520-2540): VKEMVRALKI[His2530Asn]EDEVEDMEEN